The following is an entry in ClinVar:

NM_004655.4(AXIN2):c.1185G>C (p.Leu395=)

Gene: AXIN2 (axin 2; minus strand). Cytogenetic location: 17q24.1.
Variant type: single nucleotide variant.
Coding change: c.1185G>C on transcript NM_004655.4 (MANE Select); coding-DNA position 1185, G replaced by C.
Protein change: p.Leu395=; no amino-acid change (leucine 395 retained).
Molecular consequence: synonymous variant.
Genome position (GRCh38, 1-based): chr17:65,538,218, C>G on the plus strand (G>C on the coding strand, the complement: AXIN2 is on the minus strand). VCF-style: chr17-65538218-C-G. GRCh37 (hg19) VCF-style: chr17-63534336-C-G.
Other names: c.1185G>C, p.Leu395= (NM_001363813.1).
Identifiers: ClinVar variation 3378961 (VCV003378961.1).

ClinVar aggregate classification (germline): Benign (1 of 4 stars; one submission).

Conditions:
Oligodontia-cancer predisposition syndrome. Also called: TOOTH AGENESIS-COLORECTAL CANCER SYNDROME. Identifiers: Orphanet 300576, MedGen C1837750, MONDO:0012075, OMIM 608615. Disease mechanism: loss of function.

Submission:

Myriad Genetics, Inc.
Classification: Benign for Oligodontia-cancer predisposition syndrome. Last evaluated: 2024-07-01. Review status: criteria provided, single submitter. Criteria: Myriad Autosomal Dominant, Autosomal Recessive and X-Linked Classification Criteria (2023). Collection method: clinical testing. Allele origin: unknown.
Comment: This variant is considered benign. This variant is a silent/synonymous amino acid change and it is not expected to impact splicing.